The following is an entry in ClinVar:

ClinVar aggregate classification (germline): Uncertain significance (1 of 4 stars; one submission).

Submission:

GeneDx
Classification: Uncertain significance. Last evaluated: 2023-12-11. Review status: criteria provided, single submitter. Criteria: GeneDx Variant Classification Process June 2021. Collection method: clinical testing. Allele origin: germline. Affected: yes.
Comment: Not observed at significant frequency in large population cohorts (gnomAD); In silico analysis supports that this missense variant has a deleterious effect on protein structure/function; Has not been previously published as pathogenic or benign to our knowledge

NM_032861.4(SERAC1):c.517T>C (p.Cys173Arg)

Gene: SERAC1 (serine active site containing 1; minus strand). Cytogenetic location: 6q25.3.
Variant type: single nucleotide variant.
Coding change: c.517T>C on transcript NM_032861.4 (MANE Select); coding-DNA position 517, T replaced by C.
Protein change: p.Cys173Arg; replaces cysteine 173 with arginine.
Molecular consequence: missense variant. On other transcripts: non-coding transcript variant (1).
Genome position (GRCh38, 1-based): chr6:158,144,391, A>G on the plus strand (T>C on the coding strand, the complement: SERAC1 is on the minus strand). VCF-style: chr6-158144391-A-G. GRCh37 (hg19) VCF-style: chr6-158565423-A-G.
Other names: short protein forms C173R.
Identifiers: ClinVar variation 3365387 (VCV003365387.1).